The following is an entry in ClinVar:

ClinVar aggregate classification (germline): Uncertain significance (1 of 4 stars; one submission).

Conditions:
FREM1-related disorder. Also called: FREM1-related condition; FREM1-Related Disorders.

Submission:

PreventionGenetics, part of Exact Sciences
Classification: Uncertain significance for FREM1-related condition. Last evaluated: 2023-03-01. Review status: criteria provided, single submitter. Criteria: ACMG Guidelines, 2015. Collection method: clinical testing. Allele origin: germline.
Comment: The FREM1 c.5446G>T variant is predicted to result in the amino acid substitution p.Asp1816Tyr. To our knowledge, this variant has not been reported in the literature or in a large population database, indicating this variant is rare. At this time, the clinical significance of this variant is uncertain due to the absence of conclusive functional and genetic evidence.

NM_001379081.2(FREM1):c.5446G>T (p.Asp1816Tyr)

Gene: FREM1 (FRAS1 related extracellular matrix 1; minus strand). Cytogenetic location: 9p22.3.
Variant type: single nucleotide variant.
Coding change: c.5446G>T on transcript NM_001379081.2 (MANE Select); coding-DNA position 5446, G replaced by T.
Protein change: p.Asp1816Tyr; replaces aspartic acid 1816 with tyrosine.
Molecular consequence: missense variant. On other transcripts: non-coding transcript variant (2), intron variant (1).
Genome position (GRCh38, 1-based): chr9:14,750,238, C>A on the plus strand (G>T on the coding strand, the complement: FREM1 is on the minus strand). VCF-style: chr9-14750238-C-A. GRCh37 (hg19) VCF-style: chr9-14750236-C-A.
Other names: c.1054G>T, p.Asp352Tyr (NM_001177704.3, NM_001370061.2); c.5446G>T, p.Asp1816Tyr (NM_144966.7); c.1016-1599G>T (NM_001370058.2); short protein forms D1816Y, D352Y.
Identifiers: ClinVar variation 2630326 (VCV002630326.1), dbSNP rs2539241429, ClinGen allele CA372957378.